The following is an entry in ClinVar:

ClinVar aggregate classification (germline): Uncertain significance (1 of 4 stars; one submission).

Submission:

CeGaT Center for Human Genetics Tuebingen
Classification: Uncertain significance. Last evaluated: 2025-06-01. Review status: criteria provided, single submitter. Criteria: CeGaT Center For Human Genetics Tuebingen Variant Classification Criteria Version 2. Collection method: clinical testing. Allele origin: germline. Affected: yes. Observed: 1 variant allele.
Comment: KBTBD2: PM2, PP2

NM_015483.3(KBTBD2):c.1093C>G (p.Pro365Ala)

Gene: KBTBD2 (kelch repeat and BTB domain containing 2; minus strand). Cytogenetic location: 7p14.3.
Variant type: single nucleotide variant.
Coding change: c.1093C>G on transcript NM_015483.3 (MANE Select); coding-DNA position 1093, C replaced by G.
Protein change: p.Pro365Ala; replaces proline 365 with alanine.
Molecular consequence: missense variant.
Genome position (GRCh38, 1-based): chr7:32,870,124, G>C on the plus strand (C>G on the coding strand, the complement: KBTBD2 is on the minus strand). VCF-style: chr7-32870124-G-C. GRCh37 (hg19) VCF-style: chr7-32909736-G-C.
Other names: short protein forms P365A.
Identifiers: ClinVar variation 4084944 (VCV004084944.8).